The following is an entry in ClinVar:

NM_024417.5(FDXR):c.1214G>T (p.Gly405Val)

Gene: FDXR (ferredoxin reductase; minus strand). Cytogenetic location: 17q25.1.
Variant type: single nucleotide variant.
Coding change: c.1214G>T on transcript NM_024417.5 (MANE Select); coding-DNA position 1214, G replaced by T.
Protein change: p.Gly405Val; replaces glycine 405 with valine.
Molecular consequence: missense variant. On other transcripts: non-coding transcript variant (1).
Genome position (GRCh38, 1-based): chr17:74,863,207, C>A on the plus strand (G>T on the coding strand, the complement: FDXR is on the minus strand). VCF-style: chr17-74863207-C-A. GRCh37 (hg19) VCF-style: chr17-72859329-C-A.
Other names: c.1343G>T, p.Gly448Val (NM_001258012.4); c.1307G>T, p.Gly436Val (NM_001258013.4); c.1190G>T, p.Gly397Val (NM_001258014.4); c.1094G>T, p.Gly365Val (NM_001258015.3); c.1058G>T, p.Gly353Val (NM_001258016.3); c.1232G>T, p.Gly411Val (NM_004110.6); short protein forms G353V, G365V, G397V, G405V, G411V, G436V, G448V.
Identifiers: ClinVar variation 4849874 (VCV004849874.1).
Genomic context (GRCh38, chr17:74,863,207, plus strand): 5'-AGGTCCTGCAGCAGCATCTGGCCGGTGAGGAAGCTGTCAGTCATGGTTGTGGCTATGACA[C>A]CTGTAGGTCCTCTCTTCACCCAGCCGCTGCAGTAGAGGCCTGAGAGGGGGTAACAAAAGG-3'
Protein context (NP_077728.3, residues 395-415): CSGWVKRGPT[Gly405Val]VIATTMTDSF

ClinVar aggregate classification (germline): Likely pathogenic (1 of 4 stars; one submission).

Conditions:
Multiple mitochondrial dysfunctions syndrome 9b. Identifiers: MedGen C5935635, MONDO:0971174, OMIM 620887.

Submission:

Egypt Genome Project
Classification: Likely pathogenic for Multiple mitochondrial dysfunctions syndrome 9b. Last evaluated: 2026-02-01. Review status: criteria provided, single submitter. Criteria: ACMG Guidelines, 2015. Collection method: research. Allele origin: germline. Affected: yes.
Comment: The NM_001258012.3 c.1343G>T is classified as likely pathogenic based on the ACMG/AMP criteria (PM1, PM2, PM3-supporting, PP3)